The following is an entry in ClinVar:

ClinVar aggregate classification (germline): Uncertain significance (1 of 4 stars; one submission).

gnomAD v4.1: 1 of 1,612,634 alleles (0.000062%); highest among the groups gnomAD compares: East Asian, 0.0022%; no homozygotes.

Submission:

Ambry Genetics
Classification: Uncertain significance. Last evaluated: 2024-12-14. Review status: criteria provided, single submitter. Criteria: Ambry Variant Classification Scheme 2023. Collection method: clinical testing. Allele origin: germline.
Comment: The c.2001A>T (p.U667C) alteration is located in exon 9 (coding exon 9) of the SELO gene. This alteration results from a A to T substitution at nucleotide position 2001, causing the None (U) at amino acid position 667 to be replaced by a cysteine (C). Based on insufficient or conflicting evidence, the clinical significance of this alteration remains unclear.

NM_031454.2(SELENOO):c.2001A>T

Gene: SELENOO (selenoprotein O; plus strand). Cytogenetic location: 22q13.33.
Variant type: single nucleotide variant.
Coding change: c.2001A>T on transcript NM_031454.2 (MANE Select); coding-DNA position 2001, A replaced by T.
Genome position (GRCh38, 1-based): chr22:50,217,360, A>T. VCF-style: chr22-50217360-A-T. GRCh37 (hg19) VCF-style: chr22-50655789-A-T.
Identifiers: ClinVar variation 3793986 (VCV003793986.1).